The following is an entry in ClinVar:

NM_001356.5(DDX3X):c.676A>G (p.Thr226Ala)

Gene: DDX3X (DEAD-box helicase 3 X-linked; plus strand). Cytogenetic location: Xp11.4.
Variant type: single nucleotide variant.
Coding change: c.676A>G on transcript NM_001356.5 (MANE Select); coding-DNA position 676, A replaced by G.
Protein change: p.Thr226Ala; replaces threonine 226 with alanine.
Molecular consequence: missense variant. On other transcripts: non-coding transcript variant (1).
Genome position (GRCh38, 1-based): chrX:41,343,348, A>G. VCF-style: chrX-41343348-A-G. GRCh37 (hg19) VCF-style: chrX-41202601-A-G.
Other names: c.676A>G, p.Thr226Ala (NM_001193416.3); c.628A>G, p.Thr210Ala (NM_001193417.3); c.118A>G, p.Thr40Ala (NM_001363819.1); short protein forms T210A, T226A, T40A.
Identifiers: ClinVar variation 3366950 (VCV003366950.1).

ClinVar aggregate classification (germline): Likely pathogenic (1 of 4 stars; one submission).

Conditions:
Intellectual disability, X-linked 102 (MRXSSB). Also called: Intellectual developmental disorder, X-linked syndromic, Snijders Blok type. Identifiers: Orphanet 457260, MedGen C5393299, MONDO:0010497, OMIM 300958.

Submission:

Institute of Immunology and Genetics Kaiserslautern
Classification: Likely pathogenic for Intellectual disability, X-linked 102. Last evaluated: 2023-11-14. Review status: criteria provided, single submitter. Criteria: ACMG Guidelines, 2015. Collection method: clinical testing. Allele origin: germline. Affected: yes.
Comment: ACMG Criteria: PM1, PM2, PP2, PP3; Variant was found in heterozygous state.